The following is an entry in ClinVar:

ClinVar aggregate classification (germline): Likely benign. Review status: criteria provided, multiple submitters, no conflicts (2 of 4 stars). 2 submissions from 2 submitters: Likely benign (2). Last evaluated 2025-08-30.

Conditions:
Birt-Hogg-Dube syndrome. Also called: Birt Hogg Dubé syndrome. Identifiers: Orphanet 122, MedGen C0346010, MONDO:0800444.

Allele frequency attached by ClinVar (database versions not stated): TOPMed below 0.00001; gnomAD 0.00001; gnomAD exomes 0.00001.

Submissions (2):

Labcorp Genetics (formerly Invitae), Labcorp
Classification: Likely benign for Birt-Hogg-Dube syndrome. Last evaluated: 2025-08-30. Review status: criteria provided, single submitter. Criteria: Invitae Variant Classification Sherloc (09022015). Collection method: clinical testing. Allele origin: germline.

GeneDx
Classification: Likely benign. Last evaluated: 2016-06-21. Review status: criteria provided, single submitter. Criteria: GeneDx Variant Classification (06012015). Collection method: clinical testing. Allele origin: germline. Affected: yes.
Comment: This variant is considered likely benign or benign based on one or more of the following criteria: it is a conservative change, it occurs at a poorly conserved position in the protein, it is predicted to be benign by multiple in silico algorithms, and/or has population frequency not consistent with disease.

NM_144997.7(FLCN):c.1300+15G>A

Gene: FLCN (folliculin; minus strand). Cytogenetic location: 17p11.2.
Variant type: single nucleotide variant.
Coding change: c.1300+15G>A on transcript NM_144997.7 (MANE Select); 15 bases into the intron after coding-DNA position 1300, G replaced by A.
Molecular consequence: intron variant.
Genome position (GRCh38, 1-based): chr17:17,216,365, C>T on the plus strand (G>A on the coding strand, the complement: FLCN is on the minus strand). VCF-style: chr17-17216365-C-T. GRCh37 (hg19) VCF-style: chr17-17119679-C-T.
Other names: c.1300+15G>A (LRG_325t1, NM_001353231.2, NM_001353230.2); c.1354+15G>A (NM_001353229.2).
Identifiers: ClinVar variation 387156 (VCV000387156.9), dbSNP rs751264915, ClinGen allele CA8416063.